The following is an entry in ClinVar:

NM_025137.4(SPG11):c.5001G>T (p.Glu1667Asp)

Gene: SPG11 (SPG11 vesicle trafficking associated, spatacsin; minus strand). Cytogenetic location: 15q21.1.
Variant type: single nucleotide variant.
Coding change: c.5001G>T on transcript NM_025137.4 (MANE Select); coding-DNA position 5001, G replaced by T.
Protein change: p.Glu1667Asp; replaces glutamic acid 1667 with aspartic acid.
Molecular consequence: missense variant.
Genome position (GRCh38, 1-based): chr15:44,585,756, C>A on the plus strand (G>T on the coding strand, the complement: SPG11 is on the minus strand). VCF-style: chr15-44585756-C-A. GRCh37 (hg19) VCF-style: chr15-44877954-C-A.
Other names: c.5001G>T, p.Glu1667Asp (NM_001160227.2); short protein forms E1667D.
Identifiers: ClinVar variation 1507765 (VCV001507765.3), dbSNP rs1595845664, ClinGen allele CA392223530.

ClinVar aggregate classification (germline): Uncertain significance (1 of 4 stars; one submission).

Conditions:
Hereditary spastic paraplegia 11. Also called: Spastic paraplegia, mental retardation and thin corpus callosum; SPASTIC PARAPLEGIA, AUTOSOMAL RECESSIVE, COMPLICATED, WITH THIN CORPUS CALLOSUM; SPASTIC PARAPLEGIA, AUTOSOMAL RECESSIVE, WITH MENTAL IMPAIRMENT AND THIN CORPUS CALLOSUM; Spastic Paraplegia 11; Nakamura Osame syndrome; Autosomal recessive hereditary spastic paraplegia, mental impairment, and thin corpus callosum. Identifiers: Orphanet 2822, MedGen C1858479, MONDO:0011445, OMIM 604360.

Allele frequency attached by ClinVar (database versions not stated): gnomAD exomes 0.00001.
gnomAD v4.1: 19 of 1,614,046 alleles (0.0012%); highest among the groups gnomAD compares: Non-Finnish European, 0.0016%; no homozygotes.

Submission:

Labcorp Genetics (formerly Invitae), Labcorp
Classification: Uncertain significance for Hereditary spastic paraplegia 11. Last evaluated: 2021-10-28. Review status: criteria provided, single submitter. Criteria: Invitae Variant Classification Sherloc (09022015). Collection method: clinical testing. Allele origin: germline.
Comment: This sequence change replaces glutamic acid, which is acidic and polar, with aspartic acid, which is acidic and polar, at codon 1667 of the SPG11 protein (p.Glu1667Asp). This variant is not present in population databases (gnomAD no frequency). This variant has not been reported in the literature in individuals affected with SPG11-related conditions. Algorithms developed to predict the effect of missense changes on protein structure and function are either unavailable or do not agree on the potential impact of this missense change (SIFT: "Tolerated"; PolyPhen-2: "Probably Damaging"; Align-GVGD: "Class C0"). In summary, the available evidence is currently insufficient to determine the role of this variant in disease. Therefore, it has been classified as a Variant of Uncertain Significance.